The following is an entry in ClinVar:

ClinVar aggregate classification (germline): Pathogenic. Review status: criteria provided, single submitter (1 of 4 stars). 3 submissions from 3 submitters: Pathogenic (1). 2 of the submissions do not count toward it. Last evaluated 2021-10-27.

Conditions:
Alzheimer disease type 1 (AD1). Also called: ALZHEIMER DISEASE, FAMILIAL, 1, AUTOSOMAL RECESSIVE; ALZHEIMER DISEASE, FAMILIAL, 1. Identifiers: MedGen C1863052, MONDO:0007088, OMIM 104300.

Submissions (3):

Athena Diagnostics
Classification: Pathogenic. Last evaluated: 2021-10-27. Review status: criteria provided, single submitter. Criteria: Athena Diagnostics Criteria. Collection method: clinical testing. Allele origin: unknown.
Comment: This variant has not been reported in large, multi-ethnic general populations. (Genome Aggregation Database (gnomAD), Cambridge, MA (URL)) In some published literature, this variant is referred to as V642G. This variant has been identified in at least one individual with clinical features associated with this gene and appears to be associated with disease in at least one family. At least one other missense variant at this codon is considered to be pathogenic or likely pathogenic. Assessment of experimental evidence suggests this variant results in abnormal protein function. Experiments show this variant results in an increased ratio of amyloid-beta-42 to amyloid-beta-40 (PMID: 7806491, 8886002, 8650548, 20452985). Computational tools predict that this variant is damaging.

OMIM
Classification: Pathogenic for ALZHEIMER DISEASE, FAMILIAL, 1. Last evaluated: 1991-10-31. Review status: no assertion criteria provided. Collection method: literature only. Allele origin: germline. Not counted in ClinVar's aggregate classification.

VIB  Department of Molecular Genetics, University of Antwerp
No classification provided. Review status: no classification provided. Collection method: not provided. Allele origin: not provided. Not counted in ClinVar's aggregate classification.

Literature cited by the submitters: PubMed 7806491 (cited by Athena Diagnostics); PubMed 8886002 (cited by Athena Diagnostics); PubMed 19950418 (cited by Athena Diagnostics); PubMed 29770843 (cited by Athena Diagnostics); PubMed 27777022 (cited by Athena Diagnostics); PubMed 8650548 (cited by Athena Diagnostics); PubMed 8461968 (cited by Athena Diagnostics); PubMed 8644866 (cited by Athena Diagnostics); PubMed 1584464 (cited by Athena Diagnostics); PubMed 17493013 (cited by Athena Diagnostics); PubMed 23380992 (cited by Athena Diagnostics); PubMed 20063202 (cited by Athena Diagnostics); PubMed 26444762 (cited by Athena Diagnostics); PubMed 26803359 (cited by Athena Diagnostics); PubMed 21777674 (cited by Athena Diagnostics); PubMed 20005601 (cited by Athena Diagnostics); PubMed 1303172 (cited by Athena Diagnostics); PubMed 1944558 (cited by Athena Diagnostics and OMIM); PubMed 20452985 (cited by Athena Diagnostics).

NM_000484.4(APP):c.2150T>G (p.Val717Gly)

Gene: APP (amyloid beta precursor protein; minus strand). Cytogenetic location: 21q21.3.
Variant type: single nucleotide variant.
Coding change: c.2150T>G on transcript NM_000484.4 (MANE Select); coding-DNA position 2150, T replaced by G.
Protein change: p.Val717Gly; replaces valine 717 with glycine.
Molecular consequence: missense variant.
Genome position (GRCh38, 1-based): chr21:25,891,783, A>C on the plus strand (T>G on the coding strand, the complement: APP is on the minus strand). VCF-style: chr21-25891783-A-C. GRCh37 (hg19) VCF-style: chr21-27264095-A-C.
Other names: c.2078T>G, p.Val693Gly (NM_001136016.3); c.1757T>G, p.Val586Gly (NM_001136129.3); c.1982T>G, p.Val661Gly (NM_001136130.3, NM_001385253.1); c.1820T>G, p.Val607Gly (NM_001136131.3); c.2096T>G, p.Val699Gly (NM_001204301.2); c.2039T>G, p.Val680Gly (NM_001204302.2); c.1871T>G, p.Val624Gly (NM_001204303.2); c.2093T>G, p.Val698Gly (NM_201413.3); and 1 more; short protein forms V717G, V607G, V699G, V586G, V624G, V642G, V661G, V680G.
Identifiers: ClinVar variation 18090 (VCV000018090.2), dbSNP rs63749964, ClinGen allele CA127793.
Genomic context (GRCh38, chr21:25,891,783, plus strand): 5'-TCCACCACACCATGATGAATGGATGTGTACTGTTTCTTCTTCAGCATCACCAAGGTGATG[A>C]CGATCACTGTCGCTATGACAACACCGCCCACCATGAGTCCAATGATTGCACCTTTGTTTG-3'
Protein context (NP_000475.1, residues 707-727): VGGVVIATVI[Val717Gly]ITLVMLKKKQ